The following is an entry in ClinVar:

ClinVar aggregate classification (germline): Pathogenic. Review status: criteria provided, multiple submitters, no conflicts (2 of 4 stars). 2 submissions from 2 submitters: Pathogenic (2). Last evaluated 2023-05-05.

Conditions:
Familial adenomatous polyposis 1 (FAP1). Also called: FAMILIAL ADENOMATOUS POLYPOSIS 1, ATTENUATED; POLYPOSIS, ADENOMATOUS INTESTINAL. Identifiers: MedGen C2713442, MONDO:0021056, OMIM 175100. Disease mechanism: loss of function.

Submissions (2):

Myriad Genetics, Inc.
Classification: Pathogenic for Familial adenomatous polyposis 1. Last evaluated: 2023-05-05. Review status: criteria provided, single submitter. Criteria: Myriad Autosomal Dominant, Autosomal Recessive and X-Linked Classification Criteria (2023). Collection method: clinical testing. Allele origin: unknown.
Comment: This variant is considered pathogenic. This variant creates a frameshift predicted to result in premature protein truncation.

GeneDx
Classification: Pathogenic. Last evaluated: 2017-02-14. Review status: criteria provided, single submitter. Criteria: GeneDx Variant Classification (06012015). Collection method: clinical testing. Allele origin: germline. Affected: yes.
Comment: This deletion of 2 nucleotides in APC is denoted c.3123_3124delAA at the cDNA level and p.Pro1043PhefsX4 (P1043FfsX4) at the protein level. The normal sequence, with the bases that are deleted in brackets, is GGCA[delAA]GTCC. The deletion causes a frameshift, which changes a Proline to a Phenylalanine at codon 1043, and creates a premature stop codon at position 4 of the new reading frame. Even though this frameshift occurs in the last exon of the gene, it is significant since the last 1801 correct amino acids are replaced by 3 incorrect ones. This variant is predicted to cause loss of normal protein function through protein truncation. Although this variant has not been previously reported to our knowledge, it is considered pathogenic.

NM_000038.6(APC):c.3123_3124del (p.Pro1043fs)

Gene: APC (APC regulator of Wnt signaling pathway; plus strand). Cytogenetic location: 5q22.2.
Variant type: Deletion.
Coding change: c.3123_3124del on transcript NM_000038.6 (MANE Select); coding-DNA positions 3123 to 3124, 2 bases deleted (AA; older notation c.3123_3124delAA).
Protein change: p.Pro1043fs; shifts the reading frame from proline 1043.
Molecular consequence: frameshift variant.
Genome position (GRCh38, 1-based): chr5:112,838,717-112,838,718, AA deleted; deleting any 2 consecutive bases within chr5:112,838,716-112,838,718 gives the same sequence; the c. name uses the placement nearest the transcript's 3' end. VCF-style (leftmost placement, unchanged base first): chr5-112838715-CAA-C. GRCh37 (hg19) VCF-style: chr5-112174412-CAA-C.
Other names: c.3123_3124del, p.Pro1043fs (NM_001127510.3, NM_001354895.2); c.3069_3070del, p.Pro1025fs (NM_001127511.3); c.3177_3178del, p.Pro1061fs (NM_001354896.2); c.3153_3154del, p.Pro1053fs (NM_001354897.2); c.3048_3049del, p.Pro1018fs (NM_001354898.2); c.3039_3040del, p.Pro1015fs (NM_001354899.2); c.3000_3001del, p.Pro1002fs (NM_001354900.2); c.2946_2947del, p.Pro984fs (NM_001354901.2); and 5 more; short protein forms P1002fs, P1043fs, P952fs, P984fs, P1015fs, P1025fs, P1061fs, P883fs.
Identifiers: ClinVar variation 545731 (VCV000545731.3), dbSNP rs1554084712, ClinGen allele CA658822402.